The following is an entry in ClinVar:

ClinVar aggregate classification (germline): Uncertain significance (1 of 4 stars; one submission).

Conditions:
Hereditary cancer-predisposing syndrome. Also called: Neoplastic Syndromes, Hereditary; Tumor predisposition; Hereditary neoplastic syndrome; Hereditary Cancer Syndrome. Identifiers: Orphanet 140162, MedGen C0027672, MeSH D009386, MONDO:0015356.

gnomAD v4.1: 3 of 1,613,956 alleles (0.00019%); highest among the groups gnomAD compares: Non-Finnish European, 0.00017%; no homozygotes.

Submission:

Ambry Genetics
Classification: Uncertain significance for Hereditary cancer-predisposing syndrome. Last evaluated: 2026-07-06. Review status: criteria provided, single submitter. Criteria: Ambry Variant Classification Scheme 2023. Collection method: clinical testing. Allele origin: germline.
Comment: The p.R368Q variant (also known as c.1103G>A), located in coding exon 10 of the PRKAR1A gene, results from a G to A substitution at nucleotide position 1103. The arginine at codon 368 is replaced by glutamine, an amino acid with highly similar properties. This amino acid position is conserved. In addition, this alteration is predicted to be deleterious by in silico analysis. Based on the available evidence, the clinical significance of this variant remains unclear.

NM_002734.5(PRKAR1A):c.1103G>A (p.Arg368Gln)

Gene: PRKAR1A (protein kinase cAMP-dependent type I regulatory subunit alpha; plus strand). Cytogenetic location: 17q24.2.
Variant type: single nucleotide variant.
Coding change: c.1103G>A on transcript NM_002734.5 (MANE Select); coding-DNA position 1103, G replaced by A.
Protein change: p.Arg368Gln; replaces arginine 368 with glutamine.
Molecular consequence: missense variant. On other transcripts: intron variant (1).
Genome position (GRCh38, 1-based): chr17:68,530,406, G>A. VCF-style: chr17-68530406-G-A. GRCh37 (hg19) VCF-style: chr17-66526547-G-A.
Other names: c.1103G>A, p.Arg368Gln (NM_001276289.2, NM_001278433.2, NM_001369389.1 and 3 more transcripts); c.973+405G>A (NM_001276290.1); short protein forms R368Q.
Identifiers: ClinVar variation 5027313 (VCV005027313.1).